The following is an entry in ClinVar:

ClinVar aggregate classification (germline): Likely benign. Review status: criteria provided, multiple submitters, no conflicts (2 of 4 stars). 2 submissions from 2 submitters: Likely benign (2). Last evaluated 2025-12-08.

Conditions:
Catecholaminergic polymorphic ventricular tachycardia 1. Also called: VENTRICULAR TACHYCARDIA, CATECHOLAMINERGIC POLYMORPHIC, 1, WITH OR WITHOUT ATRIAL DYSFUNCTION AND/OR DILATED CARDIOMYOPATHY; VENTRICULAR TACHYCARDIA, STRESS-INDUCED POLYMORPHIC 1; RYR2-Related Catecholaminergic Polymorphic Ventricular Tachycardia. Identifiers: Orphanet 3286, MedGen C1631597, MONDO:0011484, OMIM 604772.
Catecholaminergic polymorphic ventricular tachycardia (CVPT). Also called: Catecholamine-induced polymorphic ventricular tachycardia. Identifiers: Orphanet 3286, MedGen C5574922, MONDO:0017990.

gnomAD v4.1: 1 of 1,581,282 alleles (0.000063%); highest among the groups gnomAD compares: Non-Finnish European, 0.000087%; no homozygotes.

Submissions (2):

Labcorp Genetics (formerly Invitae), Labcorp
Classification: Likely benign for Catecholaminergic polymorphic ventricular tachycardia 1. Last evaluated: 2025-12-08. Review status: criteria provided, single submitter. Criteria: Invitae Variant Classification Sherloc (09022015). Collection method: clinical testing. Allele origin: germline.

All of Us Research Program, National Institutes of Health
Classification: Likely benign for Catecholaminergic polymorphic ventricular tachycardia. Last evaluated: 2024-03-24. Review status: criteria provided, single submitter. Criteria: ACMG Guidelines, 2015. Collection method: clinical testing. Allele origin: germline. Inheritance: Autosomal dominant inheritance. Observed: 1 variant allele, 1 heterozygote.
Comment: This study involves interpretation of variants in research participants for the purpose of population health screening. Participant phenotype was not available at the time of variant classification. Additional details can be found in publication PMID: 35346344, PMCID: PMC8962531

NM_001035.3(RYR2):c.14656-4C>G

Gene: RYR2 (ryanodine receptor 2; plus strand). Cytogenetic location: 1q43.
Variant type: single nucleotide variant.
Coding change: c.14656-4C>G on transcript NM_001035.3 (MANE Select); 4 bases into the intron before coding-DNA position 14656, C replaced by G.
Molecular consequence: intron variant.
Genome position (GRCh38, 1-based): chr1:237,830,526, C>G. VCF-style: chr1-237830526-C-G. GRCh37 (hg19) VCF-style: chr1-237993826-C-G.
Identifiers: ClinVar variation 3385885 (VCV003385885.3).